The following is an entry in ClinVar:

NM_012186.3(FOXE3):c.776C>A (p.Pro259Gln)

Genes: FOXE3 (forkhead box E3; plus strand), LINC01389 (long independently transcribed non-coding RNA 1389; minus strand). Cytogenetic location: 1p33.
Variant type: single nucleotide variant.
Coding change: c.776C>A on transcript NM_012186.3 (MANE Select); coding-DNA position 776, C replaced by A.
Protein change: p.Pro259Gln; replaces proline 259 with glutamine.
Molecular consequence: missense variant.
Genome position (GRCh38, 1-based): chr1:47,417,091, C>A. VCF-style: chr1-47417091-C-A. GRCh37 (hg19) VCF-style: chr1-47882763-C-A.
Other names: short protein forms P259Q.
Identifiers: ClinVar variation 3761901 (VCV003761901.2).

ClinVar aggregate classification (germline): Uncertain significance (1 of 4 stars; one submission).

Conditions:
Congenital primary aphakia. Also called: Anterior segment dysgenesis 2, multiple subtypes; ANTERIOR SEGMENT DYSGENESIS 2. Identifiers: Orphanet 83461, MedGen C1853230, MONDO:0012456, OMIM 610256.
Anterior segment dysgenesis. Also called: Ocular anterior segment dysgenesis. Identifiers: Orphanet 88632, MedGen C1862839, MONDO:0019503, HP:0007700.

Submission:

Labcorp Genetics (formerly Invitae), Labcorp
Classification: Uncertain significance for Anterior segment dysgenesis; Congenital primary aphakia. Last evaluated: 2024-07-11. Review status: criteria provided, single submitter. Criteria: Invitae Variant Classification Sherloc (09022015). Collection method: clinical testing. Allele origin: germline.
Comment: This sequence change replaces proline, which is neutral and non-polar, with glutamine, which is neutral and polar, at codon 259 of the FOXE3 protein (p.Pro259Gln). This variant is not present in population databases (gnomAD no frequency). This variant has not been reported in the literature in individuals affected with FOXE3-related conditions. Advanced modeling of protein sequence and biophysical properties (such as structural, functional, and spatial information, amino acid conservation, physicochemical variation, residue mobility, and thermodynamic stability) performed at Invitae indicates that this missense variant is not expected to disrupt FOXE3 protein function with a negative predictive value of 80%. In summary, the available evidence is currently insufficient to determine the role of this variant in disease. Therefore, it has been classified as a Variant of Uncertain Significance.